The following is an entry in ClinVar:

NM_001379081.2(FREM1):c.*202G>C

Gene: FREM1 (FRAS1 related extracellular matrix 1; minus strand). Cytogenetic location: 9p22.3.
Variant type: single nucleotide variant.
Coding change: c.*202G>C on transcript NM_001379081.2 (MANE Select); 202 bases downstream of the stop codon, G replaced by C.
Molecular consequence: 3 prime UTR variant. On other transcripts: non-coding transcript variant (3).
Genome position (GRCh38, 1-based): chr9:14,737,194, C>G on the plus strand (G>C on the coding strand, the complement: FREM1 is on the minus strand). VCF-style: chr9-14737194-C-G. GRCh37 (hg19) VCF-style: chr9-14737192-C-G.
Other names: c.*202G>C (NM_001177704.3, NM_001370061.2, NM_144966.7); c.*353G>C (NM_001370058.2).
Identifiers: ClinVar variation 914604 (VCV000914604.4), dbSNP rs376485630, ClinGen allele CA189356516.

ClinVar aggregate classification (germline): Likely benign (1 of 4 stars; one submission).

Conditions:
Oculotrichoanal syndrome (MOTA). Also called: MARLES SYNDROME; Manitoba Oculotrichoanal (MOTA) Syndrome. Identifiers: Orphanet 2717, MedGen C1855425, MONDO:0009560, OMIM 248450.

Allele frequency attached by ClinVar (database versions not stated): 1000 Genomes Project 0.00060; 1000 Genomes Project 30x 0.00078; TOPMed 0.00145; gnomAD 0.00178 and 0.00189.
gnomAD v4.1: 884 of 499,448 alleles (0.18%); highest among the groups gnomAD compares: Non-Finnish European, 0.28%; 1 homozygote.

Submission:

Illumina Laboratory Services, Illumina
Classification: Likely benign for Oculotrichoanal syndrome. Last evaluated: 2018-01-13. Review status: criteria provided, single submitter. Criteria: ICSL Variant Classification Criteria 13 December 2019. Collection method: clinical testing. Allele origin: germline.
Comment: This variant was observed in the ICSL laboratory as part of a predisposition screen in an ostensibly healthy population. It had not been previously curated by ICSL or reported in the Human Gene Mutation Database (HGMD: prior to June 1st, 2018), and was therefore a candidate for classification through an automated scoring system. Utilizing variant allele frequency, disease prevalence and penetrance estimates, and inheritance mode, an automated score was calculated to assess if this variant is too frequent to cause the disease. Based on the score and internal cut-off values, a variant classified as likely benign is not then subjected to further curation. The score for this variant resulted in a classification of likely benign for this disease.